The following is an entry in ClinVar:

ClinVar aggregate classification (germline): Likely benign (1 of 4 stars; one submission).

Allele frequency attached by ClinVar (database versions not stated): gnomAD 0.00168 and 0.00211; TOPMed 0.00296; 1000 Genomes Project 30x 0.00832; 1000 Genomes Project 0.00874.
gnomAD v4.1: 237 of 111,952 alleles (0.21%); highest among the groups gnomAD compares: East Asian, 3.7%; no homozygotes.

Submission:

GeneDx
Classification: Likely benign. Last evaluated: 2018-06-16. Review status: criteria provided, single submitter. Criteria: GeneDx Variant Classification (06012015). Collection method: clinical testing. Allele origin: germline. Affected: yes.
Comment: This variant is considered likely benign or benign based on one or more of the following criteria: it is a conservative change, it occurs at a poorly conserved position in the protein, it is predicted to be benign by multiple in silico algorithms, and/or has population frequency not consistent with disease.

NM_004006.3(DMD):c.6615-205G>T

Gene: DMD (dystrophin; minus strand). Cytogenetic location: Xp21.1.
Variant type: single nucleotide variant.
Coding change: c.6615-205G>T on transcript NM_004006.3 (MANE Select); 205 bases into the intron before coding-DNA position 6615, G replaced by T.
Molecular consequence: intron variant.
Genome position (GRCh38, 1-based): chrX:31,932,432, C>A on the plus strand (G>T on the coding strand, the complement: DMD is on the minus strand). VCF-style: chrX-31932432-C-A. GRCh37 (hg19) VCF-style: chrX-31950549-C-A.
Other names: c.6591-205G>T (NM_000109.4); c.2592-205G>T (NM_004011.4); c.2583-205G>T (NM_004012.4); c.-766-205G>T (NM_004023.3, NM_004020.4, NM_004022.3 and 2 more transcripts); c.6603-205G>T (NM_004009.3); c.6246-205G>T (NM_004010.3).
Identifiers: ClinVar variation 676595 (VCV000676595.1), dbSNP rs142142731, ClinGen allele CA328487821.